The following is an entry in ClinVar:

NM_212482.4(FN1):c.794G>A (p.Arg265Gln)

Gene: FN1 (fibronectin 1; minus strand). Cytogenetic location: 2q35.
Variant type: single nucleotide variant.
Coding change: c.794G>A on transcript NM_212482.4 (MANE Select); coding-DNA position 794, G replaced by A.
Protein change: p.Arg265Gln; replaces arginine 265 with glutamine.
Molecular consequence: missense variant.
Genome position (GRCh38, 1-based): chr2:215,428,230, C>T on the plus strand (G>A on the coding strand, the complement: FN1 is on the minus strand). VCF-style: chr2-215428230-C-T. GRCh37 (hg19) VCF-style: chr2-216292953-C-T.
Other names: c.794G>A, p.Arg265Gln (NM_001306129.2, NM_001306130.2, NM_001306131.2 and 14 more transcripts); short protein forms R265Q.
Identifiers: ClinVar variation 2671629 (VCV002671629.2), dbSNP rs2106488010, ClinGen allele CA350473789.

ClinVar aggregate classification (germline): Uncertain significance. Review status: criteria provided, multiple submitters, no conflicts (2 of 4 stars). 2 submissions from 2 submitters: Uncertain significance (2). Last evaluated 2023-12-24.

Conditions:
Spondylometaphyseal dysplasia - Sutcliffe type. Also called: Sutcliffe type of spondylometaphyseal dysplasia; Sutcliffe SMD; Spondylometaphyseal dysplasia, 'corner fracture' type; Spondylometaphyseal Dysplasia, Corner Fracture Type. Identifiers: Orphanet 93315, MedGen C0432221, MONDO:0008479, OMIM 184255.
Glomerulopathy with fibronectin deposits 2 (GFND2). Identifiers: Orphanet 84090, MedGen C1866075, MONDO:0011165, OMIM 601894.

Allele frequency attached by ClinVar (database versions not stated): gnomAD exomes below 0.00001; 1000 Genomes Project 30x 0.00016.

Submissions (2):

Fulgent Genetics
Classification: Uncertain significance for Spondylometaphyseal dysplasia - Sutcliffe type; Glomerulopathy with fibronectin deposits 2. Last evaluated: 2023-12-24. Review status: criteria provided, single submitter. Criteria: ACMG Guidelines, 2015. Collection method: clinical testing. Allele origin: germline.

Neuberg Centre For Genomic Medicine, NCGM
Classification: Uncertain significance for Glomerulopathy with fibronectin deposits 2. Last evaluated: 2023-02-14. Review status: criteria provided, single submitter. Criteria: ACMG Guidelines, 2015. Collection method: clinical testing. Allele origin: germline. Inheritance: Autosomal dominant inheritance. Affected: yes.
Comment: The missense c.794G>A(p.Arg265Gln) variant in FN1 gene has not been reported previously as a pathogenic variant nor as a benign variant, to our knowledge. This variant is novel (not in any individuals) in gnomAD Exomes and 1000 Genomes. The amino acid Arg at position 265 is changed to a Gln changing protein sequence and it might alter its composition and physico-chemical properties. The amino acid change p.Arg265Gln in FN1 is predicted as conserved by GERP++ and PhyloP across 100 vertebrates. The variant is predicted as damaging by SIFT. For these reasons, this variant has been classified as Uncertain Significance.